The following is an entry in ClinVar:

ClinVar aggregate classification (germline): Uncertain significance (1 of 4 stars; one submission).

Conditions:
MEGF10-related myopathy (CMYO10A). Also called: Congenital myopathy 10A, severe variant. Identifiers: Orphanet 439212, MedGen C3280679, MONDO:0013731, OMIM 614399.

Allele frequency attached by ClinVar (database versions not stated): ExAC 0.00001; gnomAD exomes 0.00001 and 0.00002; gnomAD 0.00005.
gnomAD v4.1: 28 of 1,613,780 alleles (0.0017%); highest among the groups gnomAD compares: African/African-American, 0.0053%; no homozygotes.

Submission:

Labcorp Genetics (formerly Invitae), Labcorp
Classification: Uncertain significance for MEGF10-related myopathy. Last evaluated: 2022-07-25. Review status: criteria provided, single submitter. Criteria: Invitae Variant Classification Sherloc (09022015). Collection method: clinical testing. Allele origin: germline.
Comment: This sequence change replaces arginine, which is basic and polar, with cysteine, which is neutral and slightly polar, at codon 1093 of the MEGF10 protein (p.Arg1093Cys). This variant is present in population databases (rs758348725, gnomAD 0.006%). This variant has not been reported in the literature in individuals affected with MEGF10-related conditions. ClinVar contains an entry for this variant (Variation ID: 1054297). Algorithms developed to predict the effect of missense changes on protein structure and function are either unavailable or do not agree on the potential impact of this missense change (SIFT: "Deleterious"; PolyPhen-2: "Benign"; Align-GVGD: "Class C0"). Algorithms developed to predict the effect of sequence changes on RNA splicing suggest that this variant may disrupt the consensus splice site. In summary, the available evidence is currently insufficient to determine the role of this variant in disease. Therefore, it has been classified as a Variant of Uncertain Significance.

NM_001256545.2(MEGF10):c.3277C>T (p.Arg1093Cys)

Gene: MEGF10 (multiple EGF like domains 10; plus strand). Cytogenetic location: 5q23.2.
Variant type: single nucleotide variant.
Coding change: c.3277C>T on transcript NM_001256545.2 (MANE Select); coding-DNA position 3277, C replaced by T.
Protein change: p.Arg1093Cys; replaces arginine 1093 with cysteine.
Molecular consequence: missense variant.
Genome position (GRCh38, 1-based): chr5:127,457,172, C>T. VCF-style: chr5-127457172-C-T. GRCh37 (hg19) VCF-style: chr5-126792864-C-T.
Other names: c.3277C>T, p.Arg1093Cys (NM_032446.3); short protein forms R1093C.
Identifiers: ClinVar variation 1054297 (VCV001054297.6), dbSNP rs758348725, ClinGen allele CA3392188.